The following is an entry in ClinVar:

ClinVar aggregate classification (germline): Uncertain significance (1 of 4 stars; one submission).

Conditions:
Autosomal recessive cerebellar ataxia-saccadic intrusion syndrome. Also called: SPINOCEREBELLAR ATAXIA 24; VPS13D Movement Disorder. Identifiers: Orphanet 95434, MedGen C1846492, MONDO:0011811, OMIM 607317.

gnomAD v4.1: 3 of 1,613,870 alleles (0.00019%); highest among the groups gnomAD compares: East Asian, 0.0022%; no homozygotes.

Submission:

Juno Genomics, Hangzhou Juno Genomics, Inc
Classification: Uncertain significance for Autosomal recessive cerebellar ataxia-saccadic intrusion syndrome. Review status: criteria provided, single submitter. Criteria: ACMG Guidelines, 2015. Collection method: clinical testing. Allele origin: germline.
Comment: Absent from controls (or at extremely low frequency if recessive) in Genome Aggregation Database.;Multiple lines of computational evidence support a deleterious effect on the gene or gene product.;Missense variant in a gene that has a low rate of benign missense variation.

NM_015378.4(VPS13D):c.12104G>A (p.Arg4035Gln)

Gene: VPS13D (vacuolar protein sorting 13 homolog D; plus strand). Cytogenetic location: 1p36.22.
Variant type: single nucleotide variant.
Coding change: c.12104G>A on transcript NM_015378.4 (MANE Select); coding-DNA position 12104, G replaced by A.
Protein change: p.Arg4035Gln; replaces arginine 4035 with glutamine.
Molecular consequence: missense variant.
Genome position (GRCh38, 1-based): chr1:12,415,160, G>A. VCF-style: chr1-12415160-G-A. GRCh37 (hg19) VCF-style: chr1-12475213-G-A.
Other names: c.12029G>A, p.Arg4010Gln (NM_018156.4); short protein forms R4035Q, R4010Q.
Identifiers: ClinVar variation 5007622 (VCV005007622.2).